The following is an entry in ClinVar:

NM_020163.3(SEMA3G):c.459+10G>A

Gene: SEMA3G (semaphorin 3G; minus strand). Cytogenetic location: 3p21.1.
Variant type: single nucleotide variant.
Coding change: c.459+10G>A on transcript NM_020163.3 (MANE Select); 10 bases into the intron after coding-DNA position 459, G replaced by A.
Molecular consequence: intron variant.
Genome position (GRCh38, 1-based): chr3:52,442,175, C>T on the plus strand (G>A on the coding strand, the complement: SEMA3G is on the minus strand). VCF-style: chr3-52442175-C-T. GRCh37 (hg19) VCF-style: chr3-52476191-C-T.
Identifiers: ClinVar variation 4977745 (VCV004977745.1).

ClinVar aggregate classification (germline): Likely benign (1 of 4 stars; one submission).

Conditions:
SEMA3G-related disorder. Also called: SEMA3G-related condition.

gnomAD v4.1: 2 of 1,611,674 alleles (0.00012%); highest among the groups gnomAD compares: African/African-American, 0.0013%; no homozygotes.

Submission:

PreventionGenetics, part of Exact Sciences
Classification: Likely benign for SEMA3G-related condition. Last evaluated: 2026-01-04. Review status: criteria provided, single submitter. Criteria: ACMG Guidelines, 2015. Collection method: clinical testing. Allele origin: germline.
Comment: This variant is classified as likely benign based on ACMG/AMP sequence variant interpretation guidelines (Richards et al. 2015 PMID: 25741868, with internal and published modifications).